The following is an entry in ClinVar:

NM_001244008.2(KIF1A):c.801G>T (p.Glu267Asp)

Gene: KIF1A (kinesin family member 1A; minus strand). Cytogenetic location: 2q37.3.
Variant type: single nucleotide variant.
Coding change: c.801G>T on transcript NM_001244008.2 (MANE Select); coding-DNA position 801, G replaced by T.
Protein change: p.Glu267Asp; replaces glutamic acid 267 with aspartic acid.
Molecular consequence: missense variant.
Genome position (GRCh38, 1-based): chr2:240,783,107, C>A on the plus strand (G>T on the coding strand, the complement: KIF1A is on the minus strand). VCF-style: chr2-240783107-C-A. GRCh37 (hg19) VCF-style: chr2-241722524-C-A.
Other names: c.801G>T, p.Glu267Asp (NM_001320705.2, NM_001330289.2, NM_001330290.2 and 20 more transcripts); short protein forms E267D.
Identifiers: ClinVar variation 989195 (VCV000989195.6), dbSNP rs2126050077, ClinGen allele CA351302706.

ClinVar aggregate classification (germline): Conflicting classifications of pathogenicity. Review status: criteria provided, conflicting classifications (1 of 4 stars). 2 submissions from 2 submitters: Pathogenic (1); Uncertain significance (1). Last evaluated 2022-09-15.

Conditions:
Hereditary spastic paraplegia 30. Identifiers: Orphanet 101010, MedGen C5235139, MONDO:0012476.
Neuropathy, hereditary sensory, type 2C. Also called: Hereditary sensory and autonomic neuropathy type IIC; KIF1A-Related HSAN2 (HSAN2C). Identifiers: Orphanet 970, MedGen C3280168, MONDO:0013634, OMIM 614213.
Intellectual disability, autosomal dominant 9 (NESCAVS). Also called: KIF1A-Related Neurodevelopmental Disorder; NESCAV SYNDROME. Identifiers: Orphanet 662367, MedGen C5393830, MONDO:0013656, OMIM 614255.

Submissions (2):

Labcorp Genetics (formerly Invitae), Labcorp
Classification: Uncertain significance for Hereditary spastic paraplegia 30; Neuropathy, hereditary sensory, type 2C; Intellectual disability, autosomal dominant 9. Last evaluated: 2022-09-15. Review status: criteria provided, single submitter. Criteria: Invitae Variant Classification Sherloc (09022015). Collection method: clinical testing. Allele origin: germline.
Comment: This sequence change replaces glutamic acid, which is acidic and polar, with aspartic acid, which is acidic and polar, at codon 267 of the KIF1A protein (p.Glu267Asp). This variant is not present in population databases (gnomAD no frequency). This variant has not been reported in the literature in individuals affected with KIF1A-related conditions. ClinVar contains an entry for this variant (Variation ID: 989195). Algorithms developed to predict the effect of missense changes on protein structure and function are either unavailable or do not agree on the potential impact of this missense change (SIFT: "Tolerated"; PolyPhen-2: "Possibly Damaging"; Align-GVGD: "Class C0"). This variant disrupts the p.Glu267Gln amino acid residue in KIF1A. Other variant(s) that disrupt this residue have been determined to be pathogenic (PMID: 33880452; Invitae). This suggests that this residue is clinically significant, and that variants that disrupt this residue are likely to be disease-causing. In summary, the available evidence is currently insufficient to determine the role of this variant in disease. Therefore, it has been classified as a Variant of Uncertain Significance.

Paris Brain Institute, Inserm - ICM
Classification: Pathogenic for Spastic paraplegia 30A, autosomal dominant. Review status: criteria provided, single submitter. Criteria: ACMG Guidelines, 2015. Collection method: clinical testing. Allele origin: unknown. Affected: yes. Observed: 1 variant allele.

Literature cited by the submitters: PubMed 33880452 (cited by Labcorp Genetics (formerly Invitae), Labcorp).